The following is an entry in ClinVar:

NC_000010.10:g.(?_55826507)_(56106254_?)del

Gene: PCDH15 (protocadherin related 15; minus strand). Cytogenetic location: 10q21.1.
Variant type: Deletion.
Identifiers: ClinVar variation 2427104 (VCV002427104.4).

ClinVar aggregate classification (germline): Pathogenic (1 of 4 stars; one submission).

Submission:

Labcorp Genetics (formerly Invitae), Labcorp
Classification: Pathogenic. Last evaluated: 2022-04-03. Review status: criteria provided, single submitter. Criteria: Invitae Variant Classification Sherloc (09022015). Collection method: clinical testing. Allele origin: germline.
Comment: For these reasons, this variant has been classified as Pathogenic. This variant disrupts a region of the PCDH15 protein in which other variant(s) (p.Val528Asp) have been determined to be pathogenic (PMID: 19107147). This suggests that this is a clinically significant region of the protein, and that variants that disrupt it are likely to be disease-causing. This variant has not been reported in the literature in individuals affected with PCDH15-related conditions. This variant is a gross deletion of the genomic region encompassing exon(s) 6-18 of the PCDH15 gene. This variant would be expected to be in-frame, preserving the integrity of the reading frame.

Literature cited by the submitters: PubMed 19107147.